The following is an entry in ClinVar:

ClinVar aggregate classification (germline): Uncertain significance. Review status: criteria provided, multiple submitters, no conflicts (2 of 4 stars). 2 submissions from 2 submitters: Uncertain significance (2). Last evaluated 2024-04-12.

Allele frequency attached by ClinVar (database versions not stated): gnomAD 0.00001; TOPMed 0.00001.
gnomAD v4.1: 23 of 1,614,052 alleles (0.0014%); highest among the groups gnomAD compares: East Asian, 0.018%; no homozygotes.

Submissions (2):

Women's Health and Genetics/Laboratory Corporation of America, LabCorp
Classification: Uncertain significance. Last evaluated: 2024-04-12. Review status: criteria provided, single submitter. Criteria: LabCorp Variant Classification Summary - May 2015. Collection method: clinical testing. Allele origin: germline.
Comment: Variant summary: VWF c.5407G>A (p.Val1803Ile) results in a conservative amino acid change located in the von Willebrand factor, type A (IPR002035) of the encoded protein sequence. Four of five in-silico tools predict a benign effect of the variant on protein function. The variant allele was found at a frequency of 8e-06 in 251488 control chromosomes. The available data on variant occurrences in the general population are insufficient to allow any conclusion about variant significance. To our knowledge, no occurrence of c.5407G>A in individuals affected with Von Willebrand Disease and no experimental evidence demonstrating its impact on protein function have been reported. ClinVar contains an entry for this variant (Variation ID: 2682119). Based on the evidence outlined above, the variant was classified as uncertain significance.

Quest Diagnostics Nichols Institute San Juan Capistrano
Classification: Uncertain significance. Last evaluated: 2022-12-05. Review status: criteria provided, single submitter. Criteria: Quest Diagnostics criteria. Collection method: clinical testing. Allele origin: unknown.
Comment: This variant has not been reported in the published literature. The frequency of this variant in the general population, 0.000008 (2/251488 chromosomes), is uninformative in assessment of its pathogenicity. Analysis of this variant using bioinformatics tools for the prediction of the effect of amino acid changes on protein structure and function yielded predictions that this variant is benign. Based on the available information, we are unable to determine the clinical significance of this variant.

NM_000552.5(VWF):c.5407G>A (p.Val1803Ile)

Gene: VWF (von Willebrand factor; minus strand). Cytogenetic location: 12p13.31.
Variant type: single nucleotide variant.
Coding change: c.5407G>A on transcript NM_000552.5 (MANE Select); coding-DNA position 5407, G replaced by A.
Protein change: p.Val1803Ile; replaces valine 1803 with isoleucine.
Molecular consequence: missense variant.
Genome position (GRCh38, 1-based): chr12:6,016,137, C>T on the plus strand (G>A on the coding strand, the complement: VWF is on the minus strand). VCF-style: chr12-6016137-C-T. GRCh37 (hg19) VCF-style: chr12-6125303-C-T.
Other names: short protein forms V1803I.
Identifiers: ClinVar variation 2682119 (VCV002682119.2), dbSNP rs1226550750, ClinGen allele CA383495172.
Genomic context (GRCh38, chr12:6,016,137, plus strand): 5'-CCAGATTCTTACTGTTGGACCTGGCGGCATCAGCTGCTGCATCCACTGAATCCACAGAGA[C>T]GTCCGTGACCAGGATGACCACCGCCTTTGAGGCTCCCGGCCTGGCACCATGCATTTCTGA-3'
Protein context (NP_000543.3, residues 1793-1813): SKAVVILVTD[Val1803Ile]SVDSVDAAAD